The following is an entry in ClinVar:

NM_001365951.3(KIF1B):c.3437A>G (p.His1146Arg)

Gene: KIF1B (kinesin family member 1B; plus strand). Cytogenetic location: 1p36.22.
Variant type: single nucleotide variant.
Coding change: c.3437A>G on transcript NM_001365951.3 (MANE Select); coding-DNA position 3437, A replaced by G.
Protein change: p.His1146Arg; replaces histidine 1146 with arginine.
Molecular consequence: missense variant.
Genome position (GRCh38, 1-based): chr1:10,339,783, A>G. VCF-style: chr1-10339783-A-G. GRCh37 (hg19) VCF-style: chr1-10399841-A-G.
Other names: c.3437A>G, p.His1146Arg (NM_001365952.1); c.3299A>G, p.His1100Arg (NM_015074.3); short protein forms H1100R, H1146R.
Identifiers: ClinVar variation 4844598 (VCV004844598.1).

ClinVar aggregate classification (germline): Uncertain significance (1 of 4 stars; one submission).

gnomAD v4.1: 1 of 1,614,084 alleles (0.000062%); highest among the groups gnomAD compares: Non-Finnish European, 0.000085%; no homozygotes.

Submission:

Ambry Genetics
Classification: Uncertain significance. Last evaluated: 2026-03-07. Review status: criteria provided, single submitter. Criteria: Ambry Variant Classification Scheme 2023. Collection method: clinical testing. Allele origin: germline.
Comment: The p.H1100R variant (also known as c.3299A>G), located in coding exon 29 of the KIF1B gene, results from an A to G substitution at nucleotide position 3299. The histidine at codon 1100 is replaced by arginine, an amino acid with highly similar properties. This amino acid position is conserved. In addition, this alteration is predicted to be deleterious by in silico analysis. Based on the available evidence, the clinical significance of this variant remains unclear.